The following is an entry in ClinVar:

ClinVar aggregate classification (germline): Conflicting classifications of pathogenicity. Review status: criteria provided, conflicting classifications (1 of 4 stars). 2 submissions from 2 submitters: Uncertain significance (1); Likely benign (1). Last evaluated 2024-10-13.

Conditions:
Cardiovascular phenotype. Identifiers: MedGen CN230736.
Primary dilated cardiomyopathy (DCM). Also called: Dilated Cardiomyopathy. Identifiers: Orphanet 217604, MedGen C0007193, MeSH D002311, MONDO:0005021, HP:0001644. Inheritance: Various modes of inheritance.

Allele frequency attached by ClinVar (database versions not stated): gnomAD 0.00001; TOPMed 0.00001.
gnomAD v4.1: 2 of 1,613,686 alleles (0.00012%); highest among the groups gnomAD compares: African/African-American, 0.0027%; no homozygotes.

Submissions (2):

Labcorp Genetics (formerly Invitae), Labcorp
Classification: Likely benign for Primary dilated cardiomyopathy. Last evaluated: 2024-10-13. Review status: criteria provided, single submitter. Criteria: Invitae Variant Classification Sherloc (09022015). Collection method: clinical testing. Allele origin: germline.

Ambry Genetics
Classification: Uncertain significance for Cardiovascular phenotype. Last evaluated: 2021-05-17. Review status: criteria provided, single submitter. Criteria: Ambry Variant Classification Scheme 2023. Collection method: clinical testing. Allele origin: germline.
Comment: The c.156G>A variant (also known as p.L52L), located in coding exon 2 of the TXNRD2 gene, results from a G to A substitution at nucleotide position 156. This nucleotide substitution does not change the at codon 52. This nucleotide position is well conserved in available vertebrate species. In silico splice site analysis for this alteration is inconclusive. Since supporting evidence is limited at this time, the clinical significance of this alteration remains unclear.

NM_006440.5(TXNRD2):c.156G>A (p.Leu52=)

Gene: TXNRD2 (thioredoxin reductase 2; minus strand). Cytogenetic location: 22q11.21.
Variant type: single nucleotide variant.
Coding change: c.156G>A on transcript NM_006440.5 (MANE Select); coding-DNA position 156, G replaced by A.
Protein change: p.Leu52=; no amino-acid change (leucine 52 retained).
Molecular consequence: synonymous variant. On other transcripts: 5 prime UTR variant (1), non-coding transcript variant (1).
Genome position (GRCh38, 1-based): chr22:19,931,046, C>T on the plus strand (G>A on the coding strand, the complement: TXNRD2 is on the minus strand). VCF-style: chr22-19931046-C-T. GRCh37 (hg19) VCF-style: chr22-19918569-C-T.
Other names: c.156G>A, p.Leu52= (NM_001282512.3); c.153G>A, p.Leu51= (NM_001352300.2); c.66G>A, p.Leu22= (NM_001352301.2); c.-133G>A (NM_001352302.2); c.60G>A, p.Leu20= (NM_001352303.2).
Identifiers: ClinVar variation 1543311 (VCV001543311.10), dbSNP rs939642675, ClinGen allele CA322108236.